The following is an entry in ClinVar:

NM_031220.4(PITPNM3):c.913G>A (p.Ala305Thr)

Gene: PITPNM3 (PITPNM family member 3; minus strand). Cytogenetic location: 17p13.2.
Variant type: single nucleotide variant.
Coding change: c.913G>A on transcript NM_031220.4 (MANE Select); coding-DNA position 913, G replaced by A.
Protein change: p.Ala305Thr; replaces alanine 305 with threonine.
Molecular consequence: missense variant.
Genome position (GRCh38, 1-based): chr17:6,477,201, C>T on the plus strand (G>A on the coding strand, the complement: PITPNM3 is on the minus strand). VCF-style: chr17-6477201-C-T. GRCh37 (hg19) VCF-style: chr17-6380521-C-T.
Other names: c.805G>A, p.Ala269Thr (NM_001165966.2); short protein forms A305T, A269T.
Identifiers: ClinVar variation 1908876 (VCV001908876.5), dbSNP rs549384558, ClinGen allele CA287319677.

ClinVar aggregate classification (germline): Uncertain significance (1 of 4 stars; one submission).

Allele frequency attached by ClinVar (database versions not stated): gnomAD 0.00003.
gnomAD v4.1: 22 of 1,613,982 alleles (0.0014%); highest among the groups gnomAD compares: African/African-American, 0.0067%; no homozygotes.

Submission:

Labcorp Genetics (formerly Invitae), Labcorp
Classification: Uncertain significance. Last evaluated: 2022-10-03. Review status: criteria provided, single submitter. Criteria: Invitae Variant Classification Sherloc (09022015). Collection method: clinical testing. Allele origin: germline.
Comment: This variant is present in population databases (rs549384558, gnomAD 0.008%). In summary, the available evidence is currently insufficient to determine the role of this variant in disease. Therefore, it has been classified as a Variant of Uncertain Significance. Algorithms developed to predict the effect of missense changes on protein structure and function (SIFT, PolyPhen-2, Align-GVGD) all suggest that this variant is likely to be tolerated. This variant has not been reported in the literature in individuals affected with PITPNM3-related conditions. This sequence change replaces alanine, which is neutral and non-polar, with threonine, which is neutral and polar, at codon 305 of the PITPNM3 protein (p.Ala305Thr).